The following is an entry in ClinVar:

NM_001128178.3(NPHP1):c.617A>T (p.Tyr206Phe)

Gene: NPHP1 (nephrocystin 1; minus strand). Cytogenetic location: 2q13.
Variant type: single nucleotide variant.
Coding change: c.617A>T on transcript NM_001128178.3 (MANE Select); coding-DNA position 617, A replaced by T.
Protein change: p.Tyr206Phe; replaces tyrosine 206 with phenylalanine.
Molecular consequence: missense variant.
Genome position (GRCh38, 1-based): chr2:110,168,459, T>A on the plus strand (A>T on the coding strand, the complement: NPHP1 is on the minus strand). VCF-style: chr2-110168459-T-A. GRCh37 (hg19) VCF-style: chr2-110926036-T-A.
Other names: c.617A>T (NM_000272.3, NM_000272.4); c.617A>T, p.Tyr206Phe (NM_001374256.1, NM_001374257.1, NM_207181.4 and 1 more transcripts); c.431A>T, p.Tyr144Phe (NM_001128179.3); short protein forms Y144F, Y206F.
Identifiers: ClinVar variation 3584272 (VCV003584272.5).
Genomic context (GRCh38, chr2:110,168,459, plus strand): 5'-AAAAGCGAAAAAAAAAAAAGTCTTAGAAAAGGAAGGCATAAACCAAGACTAACCTCTAGG[T>A]AGGTTCTGGGAACAAGACCTTCATTTCCTTTGGCATCCTTAGCTATCCACCAACCATCAG-3'
Protein context (NP_001121650.1, residues 196-216): KGNEGLVPRT[Tyr206Phe]LEPYSEEEEG

ClinVar aggregate classification (germline): Uncertain significance. Review status: criteria provided, multiple submitters, no conflicts (2 of 4 stars). 5 submissions from 5 submitters: Uncertain significance (5). Last evaluated 2025-10-30.

Conditions:
Nephronophthisis 1 (NPHP1). Also called: Nephronophthisis familial juvenile. Identifiers: Orphanet 655, Orphanet 93592, MedGen C1855681, MONDO:0009728, OMIM 256100.
Senior-Loken syndrome 1 (SLSN1). Also called: JUVENILE NEPHRONOPHTHISIS WITH LEBER AMAUROSIS. Identifiers: Orphanet 3156, MedGen C4551559, MONDO:0009962, OMIM 266900.
Joubert syndrome with renal defect. Also called: JOUBERT SYNDROME 4. Identifiers: Orphanet 220497, MedGen C1846790, MONDO:0012308, OMIM 609583.
Nephronophthisis. Also called: Juvenile Nephronophthisis. Identifiers: Orphanet 655, MedGen C0687120, MONDO:0019005, HP:0000090.
NPHP1-related disorder. Also called: NPHP1-related disorders; NPHP1-related condition.

gnomAD v4.1: 15 of 1,606,532 alleles (0.00093%); highest among the groups gnomAD compares: East Asian, 0.025%; no homozygotes.

Submissions (5):

PreventionGenetics, part of Exact Sciences
Classification: Uncertain significance for NPHP1-related condition. Last evaluated: 2025-10-30. Review status: criteria provided, single submitter. Criteria: ACMG Guidelines, 2015. Collection method: clinical testing. Allele origin: germline.
Comment: The NPHP1 c.617A>T variant is predicted to result in the amino acid substitution p.Tyr206Phe. To our knowledge, this variant has not been reported in the literature. This variant is reported in 0.065% of alleles in individuals of East Asian descent in gnomAD. Although we suspect that this variant may be benign, at this time, the clinical significance of this variant is uncertain due to the absence of conclusive functional and genetic evidence.

GeneDx
Classification: Uncertain significance. Last evaluated: 2025-05-28. Review status: criteria provided, single submitter. Criteria: GeneDx Variant Classification Process June 2021. Collection method: clinical testing. Allele origin: germline. Affected: yes.
Comment: In silico analysis suggests that this missense variant does not alter protein structure/function; Has not been previously published as pathogenic or benign to our knowledge

Labcorp Genetics (formerly Invitae), Labcorp
Classification: Uncertain significance for Nephronophthisis. Last evaluated: 2024-06-03. Review status: criteria provided, single submitter. Criteria: Invitae Variant Classification Sherloc (09022015). Collection method: clinical testing. Allele origin: germline.
Comment: This sequence change replaces tyrosine, which is neutral and polar, with phenylalanine, which is neutral and non-polar, at codon 206 of the NPHP1 protein (p.Tyr206Phe). The frequency data for this variant in the population databases is considered unreliable, as metrics indicate poor data quality at this position in the gnomAD database. This variant has not been reported in the literature in individuals affected with NPHP1-related conditions. Advanced modeling of protein sequence and biophysical properties (such as structural, functional, and spatial information, amino acid conservation, physicochemical variation, residue mobility, and thermodynamic stability) performed at Invitae indicates that this missense variant is not expected to disrupt NPHP1 protein function with a negative predictive value of 80%. In summary, the available evidence is currently insufficient to determine the role of this variant in disease. Therefore, it has been classified as a Variant of Uncertain Significance.

Fulgent Genetics
Classification: Uncertain significance for Nephronophthisis 1; Senior-Loken syndrome 1; Joubert syndrome with renal defect. Last evaluated: 2024-05-30. Review status: criteria provided, single submitter. Criteria: ACMG Guidelines, 2015. Collection method: clinical testing. Allele origin: germline.

Blueprint Genetics
Classification: Uncertain significance. Last evaluated: 2021-09-19. Review status: criteria provided, single submitter. Criteria: ACMG Guidelines, 2015. Collection method: clinical testing. Allele origin: germline.